The following is an entry in ClinVar:

NM_000787.4(DBH):c.468dup (p.Lys157fs)

Gene: DBH (dopamine beta-hydroxylase; plus strand). Cytogenetic location: 9q34.2.
Variant type: Duplication.
Coding change: c.468dup on transcript NM_000787.4 (MANE Select); coding-DNA position 468, one base duplicated (C; older notation c.468dupC).
Protein change: p.Lys157fs; shifts the reading frame from lysine 157.
Molecular consequence: frameshift variant.
Genome position (GRCh38, 1-based): chr9:133,639,974, C duplicated; the last of 4 consecutive C bases (chr9:133,639,971-133,639,974); duplicating any one gives the same sequence. VCF-style (leftmost placement, unchanged base first): chr9-133639970-A-AC. GRCh37 (hg19) VCF-style: chr9-136505092-A-AC.
Other names: short protein forms K157fs.
Identifiers: ClinVar variation 846731 (VCV000846731.8), dbSNP rs768149947, ClinGen allele CA5313061.
Genomic context (GRCh38, chr9:133,639,970, plus strand): 5'-AGGTGCAGAGGACCCCAGAAGGCCTGACCCTGCTTTTCAAGAGGCCCTTTGGCACCTGCG[A>AC]CCCCAAGGATTACCTCATTGAAGTAAGGGGTGGCCGCGAGTACCCAGGAGGGCGTGGGCT-3'

ClinVar aggregate classification (germline): Pathogenic (1 of 4 stars; one submission).

Conditions:
Orthostatic hypotension 1 (ORTHYP1). Also called: Dopamine beta-hydroxylase deficiency; NORADRENALINE DEFICIENCY; NOREPINEPHRINE DEFICIENCY; Orthostatic hypotension 1, due to DBH deficiency. Identifiers: Orphanet 230, MedGen C4746777, MONDO:0009123, OMIM 223360.

Submission:

Labcorp Genetics (formerly Invitae), Labcorp
Classification: Pathogenic for Orthostatic hypotension 1. Last evaluated: 2019-01-28. Review status: criteria provided, single submitter. Criteria: Invitae Variant Classification Sherloc (09022015). Collection method: clinical testing. Allele origin: germline.
Comment: This variant has not been reported in the literature in individuals with DBH-related conditions. The frequency data for this variant in the population databases is considered unreliable, as metrics indicate poor data quality at this position in the ExAC database. This sequence change creates a premature translational stop signal (p.Lys157Glnfs*6) in the DBH gene. It is expected to result in an absent or disrupted protein product. Loss-of-function variants in DBH are known to be pathogenic (PMID: 11857564, 15060114). For these reasons, this variant has been classified as Pathogenic.

Literature cited by the submitters: PubMed 11857564; PubMed 15060114.